The following is an entry in ClinVar:

ClinVar aggregate classification (germline): Uncertain significance (1 of 4 stars; one submission).

Conditions:
Hypertrophic cardiomyopathy 26. Also called: Cardiomyopathy, familial hypertrophic, 26. Identifiers: Orphanet 75249, MedGen C4310749, MONDO:0014883, OMIM 617047.
Myofibrillar myopathy 5. Also called: Filaminopathy (type); FILAMINOPATHY, AUTOSOMAL DOMINANT. Identifiers: Orphanet 171445, MedGen C1836050, MONDO:0012289, OMIM 609524.
Distal myopathy with posterior leg and anterior hand involvement. Also called: WILLIAMS DISTAL MYOPATHY. Identifiers: Orphanet 63273, MedGen C3279722, MONDO:0013550, OMIM 614065.

Submission:

Labcorp Genetics (formerly Invitae), Labcorp
Classification: Uncertain significance for Distal myopathy with posterior leg and anterior hand involvement; Myofibrillar myopathy 5; Hypertrophic cardiomyopathy 26. Last evaluated: 2025-09-24. Review status: criteria provided, single submitter. Criteria: Invitae Variant Classification Sherloc (09022015). Collection method: clinical testing. Allele origin: germline.
Comment: This sequence change replaces glutamic acid, which is acidic and polar, with glycine, which is neutral and non-polar, at codon 2242 of the FLNC protein (p.Glu2242Gly). This variant is not present in population databases (gnomAD no frequency). This variant has not been reported in the literature in individuals affected with FLNC-related conditions. An algorithm developed to predict the effect of missense changes on protein structure and function (PolyPhen-2) suggests that this variant is likely to be tolerated. In summary, the available evidence is currently insufficient to determine the role of this variant in disease. Therefore, it has been classified as a Variant of Uncertain Significance.

NM_001458.5(FLNC):c.6725A>G (p.Glu2242Gly)

Genes: FLNC (filamin C; plus strand), FLNC-AS1 (FLNC antisense RNA 1; minus strand). Cytogenetic location: 7q32.1.
Variant type: single nucleotide variant.
Coding change: c.6725A>G on transcript NM_001458.5 (MANE Select); coding-DNA position 6725, A replaced by G.
Protein change: p.Glu2242Gly; replaces glutamic acid 2242 with glycine.
Molecular consequence: missense variant.
Genome position (GRCh38, 1-based): chr7:128,854,214, A>G. VCF-style: chr7-128854214-A-G. GRCh37 (hg19) VCF-style: chr7-128494268-A-G.
Other names: c.6626A>G, p.Glu2209Gly (NM_001127487.2); short protein forms E2209G, E2242G.
Identifiers: ClinVar variation 4812529 (VCV004812529.1).